The following is an entry in ClinVar:

NM_000322.5(PRPH2):c.961G>T (p.Glu321Ter)

Gene: PRPH2 (peripherin 2; minus strand). Cytogenetic location: 6p21.1.
Variant type: single nucleotide variant.
Coding change: c.961G>T on transcript NM_000322.5 (MANE Select); coding-DNA position 961, G replaced by T.
Protein change: p.Glu321Ter; replaces glutamic acid 321 with a stop codon.
Molecular consequence: nonsense.
Genome position (GRCh38, 1-based): chr6:42,698,375, C>A on the plus strand (G>T on the coding strand, the complement: PRPH2 is on the minus strand). VCF-style: chr6-42698375-C-A. GRCh37 (hg19) VCF-style: chr6-42666113-C-A.
Other names: short protein forms E321*.
Identifiers: ClinVar variation 973730 (VCV000973730.2), dbSNP rs749391375, ClinGen allele CA364132903.

ClinVar aggregate classification (germline): Uncertain significance. Review status: criteria provided, single submitter (1 of 4 stars). 2 submissions from 2 submitters: Uncertain significance (1). 1 of the submissions does not count toward it. Last evaluated 2020-01-07.

Conditions:
Stargardt disease (FFM). Also called: Stargardt's disease; Fundus flavimaculatus. Identifiers: Orphanet 827, MedGen C0271093, MONDO:0019353.

Submissions (2):

NEI Ophthalmic Genomics Laboratory, National Institutes of Health
Classification: Uncertain significance for Stargardt disease. Last evaluated: 2020-01-07. Review status: criteria provided, single submitter. Criteria: ACMG Guidelines, 2015. Collection method: clinical testing. Allele origin: germline. Affected: yes.
Comment: The variant NM_000322.4:c.961G>T in the PRPH2 gene has not been reported to our knowledge . This variant is not listed in dbSNP and/or HGMD. It is absent in gnomAD browser. It is not enriched in the PRPH2 disease cohort. We invoked ACMG criteria [PM2] and classified NM_000322.4:c.961G>T in the PRPH2 gene as a Variant of Uncertain Significance.

Leiden Open Variation Database
Classification: Pathogenic. Last evaluated: 2021-04-06. Review status: no assertion criteria provided. Collection method: curation. Allele origin: germline. Affected: yes. Not counted in ClinVar's aggregate classification.
Comment: Curator: Global Variome, with Curator vacancy. Submitter to LOVD: Manon Peeters.

Literature cited by the submitters: PubMed 32531846 (cited by Leiden Open Variation Database).